The following is an entry in ClinVar:

NC_000013.11:g.(?_100209322)_(100235888_?)del

Gene: PCCA (propionyl-CoA carboxylase subunit alpha; plus strand). Cytogenetic location: 13q32.3.
Variant type: Deletion.
Identifiers: ClinVar variation 833246 (VCV000833246.5).

ClinVar aggregate classification (germline): Pathogenic (1 of 4 stars; one submission).

Conditions:
Propionic acidemia (PROP). Also called: GLYCINEMIA, KETOTIC; HYPERGLYCINEMIA WITH KETOACIDOSIS AND LEUKOPENIA; KETOTIC HYPERGLYCINEMIA. Identifiers: Orphanet 35, MedGen C0268579, MONDO:0011628, OMIM 606054, HP:0003571.

Submission:

Labcorp Genetics (formerly Invitae), Labcorp
Classification: Pathogenic for Propionic acidemia. Last evaluated: 2021-07-02. Review status: criteria provided, single submitter. Criteria: Invitae Variant Classification Sherloc (09022015). Collection method: clinical testing. Allele origin: germline.
Comment: This variant is a gross deletion of the genomic region encompassing exon(s) 7-8 of the PCCA gene. This deletion is out-of-frame, and is expected to create a premature translational stop signal and result in an absent or disrupted protein product. Loss-of-function variants in PCCA are known to be pathogenic (PMID: 15464417). This variant has not been reported in the literature in individuals affected with PCCA-related conditions. For these reasons, this variant has been classified as Pathogenic.

Literature cited by the submitters: PubMed 15464417.